The following is an entry in ClinVar:

NM_177939.3(P4HTM):c.1074-59G>A

Gene: P4HTM (prolyl 4-hydroxylase, transmembrane; plus strand). Cytogenetic location: 3p21.31.
Variant type: single nucleotide variant.
Coding change: c.1074-59G>A on transcript NM_177939.3 (MANE Select); 59 bases into the intron before coding-DNA position 1074, G replaced by A.
Molecular consequence: intron variant. On other transcripts: missense variant (1).
Genome position (GRCh38, 1-based): chr3:49,005,718, G>A. VCF-style: chr3-49005718-G-A. GRCh37 (hg19) VCF-style: chr3-49043151-G-A.
Other names: c.1198G>A, p.Val400Ile (NM_177938.2); short protein forms V400I.
Identifiers: ClinVar variation 3927146 (VCV003927146.1).
Genomic context (GRCh38, chr3:49,005,718, plus strand): 5'-CCATCCTAGTCTGTCCTGGTCCCTGGCAACAGGAACCTGGGCAGCTTATCCTGCCCACAG[G>A]TAAGCCCCTGGGAGCATCCACAACTGGGGACCTGCTCAGTGCCCCCCCTGCCTTACAGCT-3'

ClinVar aggregate classification (germline): Uncertain significance (1 of 4 stars; one submission).

Conditions:
Inborn genetic diseases. Identifiers: MedGen C0950123, MeSH D030342.

gnomAD v4.1: 1 of 1,529,216 alleles (0.000065%); highest among the groups gnomAD compares: Non-Finnish European, 0.000088%; no homozygotes.

Submission:

Ambry Genetics
Classification: Uncertain significance for Inborn genetic diseases. Last evaluated: 2025-04-25. Review status: criteria provided, single submitter. Criteria: Ambry Variant Classification Scheme 2023. Collection method: clinical testing. Allele origin: germline.
Comment: Occurs in the first base pair of the exon Based on insufficient or conflicting evidence, the clinical significance of this alteration remains unclear.